The following is an entry in ClinVar:

ClinVar aggregate classification (germline): Benign/Likely benign. Review status: criteria provided, multiple submitters, no conflicts (2 of 4 stars). 28 submissions from 22 submitters: Benign (21); Likely benign (3). 4 of the submissions do not count toward it. Last evaluated 2026-09-01.

Conditions:
Connective tissue disorder. Also called: Connective tissue disease. Identifiers: MedGen C0009782, MONDO:0003900.
Geleophysic dysplasia. Identifiers: Orphanet 2623, MedGen C3489726, MONDO:0000127.
Weill-Marchesani syndrome. Also called: WM Syndrome; Mesodermal dysmorphodystrophy congenital. Identifiers: Orphanet 3449, MedGen C0265313, MONDO:0018096.
Familial thoracic aortic aneurysm and aortic dissection (TAAD). Also called: Thoracic aortic aneurysms and dissections. Identifiers: Orphanet 91387, MedGen C4707243, MONDO:0019625.
Marfan syndrome (MFS). Also called: Marfan syndrome, classic; FBN1-Related Marfan Syndrome; Marfan syndrome type 1; Marfan's syndrome; MARFAN SYNDROME, TYPE I. Identifiers: Orphanet 284963, Orphanet 558, MedGen C0024796, MONDO:0007947, OMIM 154700.
Acromicric dysplasia (ACMICD). Also called: Acromicric skeletal dysplasia. Identifiers: Orphanet 969, MedGen C0265287, MONDO:0007055, OMIM 102370.
Stiff skin syndrome (SSKS). Identifiers: Orphanet 2833, MedGen C1861456, MONDO:0008492, OMIM 184900.
Ectopia lentis 1, isolated, autosomal dominant (ECTOL1). Identifiers: Orphanet 1885, MedGen C3541518, MONDO:0007514, OMIM 129600.

Allele frequency attached by ClinVar (database versions not stated): 1000 Genomes Project 30x 0.00203; gnomAD exomes 0.00773 and 0.00827; 1000 Genomes Project 0.00220; ExAC 0.00797; TOPMed 0.00485; ESP Exome Variant Server 0.00547; gnomAD 0.01051.
gnomAD v4.1: 13,096 of 1,614,056 alleles (0.81%); highest among the groups gnomAD compares: Non-Finnish European, 0.85%; 111 homozygotes.

Submissions (28):

CeGaT Center for Human Genetics Tuebingen
Classification: Benign. Last evaluated: 2026-09-01. Review status: criteria provided, single submitter. Criteria: CeGaT Center For Human Genetics Tuebingen Variant Classification Criteria Version 2. Collection method: clinical testing. Allele origin: germline. Affected: yes. Observed: 38 variant alleles.
Comment: FBN1: BP4, BP7, BS1, BS2

Labcorp Genetics (formerly Invitae), Labcorp
Classification: Benign for Marfan syndrome; Familial thoracic aortic aneurysm and aortic dissection. Last evaluated: 2026-02-03. Review status: criteria provided, single submitter. Criteria: Invitae Variant Classification Sherloc (09022015). Collection method: clinical testing. Allele origin: germline.

ARUP Laboratories, Molecular Genetics and Genomics, ARUP Laboratories
Classification: Benign. Last evaluated: 2025-05-14. Review status: criteria provided, single submitter. Criteria: ARUP Molecular Germline Variant Investigation Process 2024. Collection method: clinical testing. Allele origin: germline.

Blueprint Genetics
Classification: Likely benign. Last evaluated: 2024-11-21. Review status: criteria provided, single submitter. Criteria: ACMG Guidelines, 2015. Collection method: clinical testing. Allele origin: germline.

Mendelics
Classification: Benign for Marfan syndrome. Last evaluated: 2019-05-28. Review status: criteria provided, single submitter. Criteria: Mendelics Assertion Criteria 2017. Collection method: clinical testing. Allele origin: unknown.

GeneDx
Classification: Benign. Last evaluated: 2018-12-17. Review status: criteria provided, single submitter. Criteria: GeneDx Variant Classification Process June 2021. Collection method: clinical testing. Allele origin: germline. Affected: yes.
Comment: This variant is associated with the following publications: (PMID: 17627385, 26332594, 31163209)

Genome Diagnostics Laboratory, The Hospital for Sick Children
Classification: Benign for Connective tissue disorder. Last evaluated: 2018-12-01. Review status: criteria provided, single submitter. Criteria: ACMG Guidelines, 2015. Collection method: clinical testing. Allele origin: germline.

Color Diagnostics, LLC DBA Color Health
Classification: Benign for Familial thoracic aortic aneurysm and aortic dissection. Last evaluated: 2018-03-16. Review status: criteria provided, single submitter. Criteria: ACMG Guidelines, 2015. Collection method: clinical testing. Allele origin: germline.

Illumina Laboratory Services, Illumina
Classification: Benign for Marfan syndrome. Last evaluated: 2018-03-06. Review status: criteria provided, single submitter. Criteria: ICSL Variant Classification Criteria 13 December 2019. Collection method: clinical testing. Allele origin: germline.
Comment: This variant was observed in the ICSL laboratory as part of a predisposition screen in an ostensibly healthy population. It had not been previously curated by ICSL or reported in the Human Gene Mutation Database (HGMD: prior to June 1st, 2018), and was therefore a candidate for classification through an automated scoring system. Utilizing variant allele frequency, disease prevalence and penetrance estimates, and inheritance mode, an automated score was calculated to assess if this variant is too frequent to cause the disease. Based on the score and internal cut-off values, a variant classified as benign is not then subjected to further curation. The score for this variant resulted in a classification of benign for this disease.

Illumina Laboratory Services, Illumina
Classification: Benign for Geleophysic dysplasia. Last evaluated: 2018-03-06. Review status: criteria provided, single submitter. Criteria: ICSL Variant Classification Criteria 13 December 2019. Collection method: clinical testing. Allele origin: germline.
Comment: the same text as in the submission from Illumina Laboratory Services, Illumina above.

Illumina Laboratory Services, Illumina
Classification: Benign for Weill-Marchesani syndrome. Last evaluated: 2018-03-06. Review status: criteria provided, single submitter. Criteria: ICSL Variant Classification Criteria 13 December 2019. Collection method: clinical testing. Allele origin: germline.
Comment: the same text as in the submission from Illumina Laboratory Services, Illumina above.

Illumina Laboratory Services, Illumina
Classification: Likely benign for Familial thoracic aortic aneurysm and aortic dissection. Last evaluated: 2018-03-06. Review status: criteria provided, single submitter. Criteria: ICSL Variant Classification Criteria 13 December 2019. Collection method: clinical testing. Allele origin: germline.
Comment: This variant was observed in the ICSL laboratory as part of a predisposition screen in an ostensibly healthy population. It had not been previously curated by ICSL or reported in the Human Gene Mutation Database (HGMD: prior to June 1st, 2018), and was therefore a candidate for classification through an automated scoring system. Utilizing variant allele frequency, disease prevalence and penetrance estimates, and inheritance mode, an automated score was calculated to assess if this variant is too frequent to cause the disease. Based on the score and internal cut-off values, a variant classified as likely benign is not then subjected to further curation. The score for this variant resulted in a classification of likely benign for this disease.

Illumina Laboratory Services, Illumina
Classification: Benign for Stiff skin syndrome. Last evaluated: 2018-03-06. Review status: criteria provided, single submitter. Criteria: ICSL Variant Classification Criteria 13 December 2019. Collection method: clinical testing. Allele origin: germline.
Comment: the same text as in the submission from Illumina Laboratory Services, Illumina above.

Illumina Laboratory Services, Illumina
Classification: Benign for Ectopia lentis 1, isolated, autosomal dominant. Last evaluated: 2018-03-06. Review status: criteria provided, single submitter. Criteria: ICSL Variant Classification Criteria 13 December 2019. Collection method: clinical testing. Allele origin: germline.
Comment: the same text as in the submission from Illumina Laboratory Services, Illumina above.

Illumina Laboratory Services, Illumina
Classification: Benign for Acromicric dysplasia. Last evaluated: 2018-03-06. Review status: criteria provided, single submitter. Criteria: ICSL Variant Classification Criteria 13 December 2019. Collection method: clinical testing. Allele origin: germline.
Comment: the same text as in the submission from Illumina Laboratory Services, Illumina above.

Institute for Genomic Medicine (IGM) Clinical Laboratory, Nationwide Children's Hospital
Classification: Likely benign. Last evaluated: 2017-08-14. Review status: criteria provided, single submitter. Criteria: ACMG Guidelines, 2015. Collection method: clinical testing. Allele origin: germline.
Comment: BS1, BP6; This alteration has an allele frequency that is greater than expected for the associated disease, and was reported as a benign/likely benign alteration by a reputable source (ClinVar or other correspondence from a clinical testing laboratory).

CHEO Genetics Diagnostic Laboratory, Children's Hospital of Eastern Ontario
Classification: Benign for Familial thoracic aortic aneurysm and aortic dissection. Last evaluated: 2016-07-28. Review status: criteria provided, single submitter. Criteria: ACMG Guidelines, 2015. Collection method: clinical testing. Allele origin: germline. Study: Canadian Open Genetics Repository.

Mayo Clinic Laboratories, Mayo Clinic
Classification: Benign. Last evaluated: 2015-07-07. Review status: criteria provided, single submitter. Criteria: ACMG Guidelines, 2015. Collection method: clinical testing. Allele origin: germline. Observed: 46 variant alleles.

Center for Pediatric Genomic Medicine, Children's Mercy Hospital and Clinics
Classification: Benign. Last evaluated: 2015-05-22. Review status: criteria provided, single submitter. Criteria: ACMG Guidelines, 2015. Collection method: clinical testing. Allele origin: germline.

Genomic Diagnostic Laboratory, Division of Genomic Diagnostics, Children's Hospital of Philadelphia
Classification: Benign for Marfan's syndrome. Last evaluated: 2015-05-05. Review status: criteria provided, single submitter. Criteria: DGD Variant Analysis Guidelines. Collection method: clinical testing. Allele origin: unknown.

Ambry Genetics
Classification: Benign for Familial thoracic aortic aneurysm and aortic dissection. Last evaluated: 2015-02-12. Review status: criteria provided, single submitter. Criteria: Ambry Variant Classification Scheme 2023. Collection method: clinical testing. Allele origin: germline.

Eurofins Ntd Llc (ga)
Classification: Benign. Last evaluated: 2014-12-04. Review status: criteria provided, single submitter. Criteria: EGL Classification Definitions 2015. Collection method: clinical testing. Allele origin: germline. Observed: 2 variant alleles, 2 heterozygotes.

Laboratory for Molecular Medicine, Mass General Brigham Personalized Medicine
Classification: Benign. Last evaluated: 2009-06-23. Review status: criteria provided, single submitter. Criteria: LMM Criteria. Collection method: clinical testing. Allele origin: germline. Observed: 11 variant alleles.

PreventionGenetics, part of Exact Sciences
Classification: Benign. Review status: criteria provided, single submitter. Criteria: ACMG Guidelines, 2015. Collection method: clinical testing. Allele origin: germline.

Clinical Genetics DNA and cytogenetics Diagnostics Lab, Erasmus MC, Erasmus Medical Center
Classification: Benign. Review status: no assertion criteria provided. Collection method: clinical testing. Allele origin: germline. Affected: yes. Study: VKGL Data-share Consensus. Not counted in ClinVar's aggregate classification.

Diagnostic Laboratory, Department of Genetics, University Medical Center Groningen
Classification: Benign. Review status: no assertion criteria provided. Collection method: clinical testing. Allele origin: germline. Affected: yes. Study: VKGL Data-share Consensus. Not counted in ClinVar's aggregate classification.

Genome Diagnostics Laboratory, Amsterdam University Medical Center
Classification: Benign. Review status: no assertion criteria provided. Collection method: clinical testing. Allele origin: germline. Affected: yes. Study: VKGL Data-share Consensus. Not counted in ClinVar's aggregate classification.

Genome Diagnostics Laboratory, University Medical Center Utrecht
Classification: Likely benign. Review status: no assertion criteria provided. Collection method: clinical testing. Allele origin: germline. Affected: yes. Study: VKGL Data-share Consensus. Not counted in ClinVar's aggregate classification.

NM_000138.5(FBN1):c.3294C>T (p.Asp1098=)

Gene: FBN1 (fibrillin 1; minus strand). Cytogenetic location: 15q21.1.
Variant type: single nucleotide variant.
Coding change: c.3294C>T on transcript NM_000138.5 (MANE Select); coding-DNA position 3294, C replaced by T.
Protein change: p.Asp1098=; no amino-acid change (aspartic acid 1098 retained).
Molecular consequence: synonymous variant.
Genome position (GRCh38, 1-based): chr15:48,488,156, G>A on the plus strand (C>T on the coding strand, the complement: FBN1 is on the minus strand). VCF-style: chr15-48488156-G-A. GRCh37 (hg19) VCF-style: chr15-48780353-G-A.
Other names: p.D1098D:GAC>GAT; p.Asp1098=.
Identifiers: ClinVar variation 42330 (VCV000042330.93), dbSNP rs140587, ClinGen allele CA013961.
Genomic context (GRCh38, chr15:48,488,156, plus strand): 5'-AATGATCCCAAACTTACCCATGCAGTTCTTCATCATCATGAATCCACTTTCATAGCCTTC[G>A]TCACACTTGCATTCAAAGTCCCCAGGGGTGTTCACACACTGGCCTCTGCCACAGAGGTCA-3'
Protein context (NP_000129.3, residues 1088-1108): NTPGDFECKC[Asp1098=]EGYESGFMMM